The following is an entry in ClinVar:

NM_001042545.2(LTBP4):c.3844G>T (p.Gly1282Ter)

Gene: LTBP4 (latent transforming growth factor beta binding protein 4; plus strand). Cytogenetic location: 19q13.2.
Variant type: single nucleotide variant.
Coding change: c.3844G>T on transcript NM_001042545.2 (MANE Select); coding-DNA position 3844, G replaced by T.
Protein change: p.Gly1282Ter; replaces glycine 1282 with a stop codon.
Molecular consequence: nonsense.
Genome position (GRCh38, 1-based): chr19:40,625,868, G>T. VCF-style: chr19-40625868-G-T. GRCh37 (hg19) VCF-style: chr19-41131773-G-T.
Other names: c.4045G>T, p.Gly1349Ter (NM_001042544.1); c.3934G>T, p.Gly1312Ter (NM_003573.2); short protein forms G1282*, G1312*, G1349*.
Identifiers: ClinVar variation 3045965 (VCV003045965.1), dbSNP rs2515393499, ClinGen allele CA405909387.

ClinVar aggregate classification (germline): Likely benign (1 of 4 stars; one submission).

Conditions:
LTBP4-related disorder. Also called: LTBP4-related condition.

Submission:

PreventionGenetics, part of Exact Sciences
Classification: Likely benign for LTBP4-related condition. Last evaluated: 2023-01-04. Review status: criteria provided, single submitter. Criteria: ACMG Guidelines, 2015. Collection method: clinical testing. Allele origin: germline.
Comment: This variant is classified as likely benign based on ACMG/AMP sequence variant interpretation guidelines (Richards et al. 2015 PMID: 25741868, with internal and published modifications).